The following is an entry in ClinVar:

ClinVar aggregate classification (germline): Benign/Likely benign. Review status: criteria provided, single submitter (1 of 4 stars). 3 submissions from 1 submitter: Benign (2); Likely benign (1). Last evaluated 2018-01-13.

Conditions:
Cone-rod dystrophy 2 (CORD2). Also called: CONE-ROD RETINAL DYSTROPHY; Cone-rod retinal dystrophy 2. Identifiers: Orphanet 1872, MedGen C3489532, MONDO:0007362, OMIM 120970.
Leber congenital amaurosis 7 (LCA7). Identifiers: Orphanet 65, MedGen C3151192, MONDO:0013449, OMIM 613829.
Retinitis pigmentosa (RP). Identifiers: Orphanet 791, MedGen C0035334, MeSH D012174, MONDO:0019200, OMIM 268000. Inheritance: Autosomal dominant, autosomal recessive and X linked inheritance.

Allele frequency attached by ClinVar (database versions not stated): gnomAD 0.00006; TOPMed 0.00012; 1000 Genomes Project 30x 0.00375; 1000 Genomes Project 0.00439.

Submissions (3):

Illumina Laboratory Services, Illumina
Classification: Benign for Cone-rod dystrophy 2. Last evaluated: 2018-01-13. Review status: criteria provided, single submitter. Criteria: ICSL Variant Classification Criteria 13 December 2019. Collection method: clinical testing. Allele origin: germline.
Comment: This variant was observed in the ICSL laboratory as part of a predisposition screen in an ostensibly healthy population. It had not been previously curated by ICSL or reported in the Human Gene Mutation Database (HGMD: prior to June 1st, 2018), and was therefore a candidate for classification through an automated scoring system. Utilizing variant allele frequency, disease prevalence and penetrance estimates, and inheritance mode, an automated score was calculated to assess if this variant is too frequent to cause the disease. Based on the score and internal cut-off values, a variant classified as benign is not then subjected to further curation. The score for this variant resulted in a classification of benign for this disease.

Illumina Laboratory Services, Illumina
Classification: Likely benign for Leber congenital amaurosis 7. Last evaluated: 2018-01-13. Review status: criteria provided, single submitter. Criteria: ICSL Variant Classification Criteria 13 December 2019. Collection method: clinical testing. Allele origin: germline.
Comment: This variant was observed in the ICSL laboratory as part of a predisposition screen in an ostensibly healthy population. It had not been previously curated by ICSL or reported in the Human Gene Mutation Database (HGMD: prior to June 1st, 2018), and was therefore a candidate for classification through an automated scoring system. Utilizing variant allele frequency, disease prevalence and penetrance estimates, and inheritance mode, an automated score was calculated to assess if this variant is too frequent to cause the disease. Based on the score and internal cut-off values, a variant classified as likely benign is not then subjected to further curation. The score for this variant resulted in a classification of likely benign for this disease.

Illumina Laboratory Services, Illumina
Classification: Benign for Retinitis pigmentosa. Last evaluated: 2018-01-13. Review status: criteria provided, single submitter. Criteria: ICSL Variant Classification Criteria 13 December 2019. Collection method: clinical testing. Allele origin: germline.
Comment: the same text as in the submission from Illumina Laboratory Services, Illumina above.

NM_000554.6(CRX):c.-39G>C

Gene: CRX (cone-rod homeobox; plus strand). Cytogenetic location: 19q13.33.
Variant type: single nucleotide variant.
Coding change: c.-39G>C on transcript NM_000554.6 (MANE Select); 39 bases upstream of the start codon, G replaced by C.
Molecular consequence: 5 prime UTR variant.
Genome position (GRCh38, 1-based): chr19:47,822,007, G>C. VCF-style: chr19-47822007-G-C. GRCh37 (hg19) VCF-style: chr19-48325264-G-C.
Identifiers: ClinVar variation 329692 (VCV000329692.5), dbSNP rs531267959, ClinGen allele CA10643039.